The following is an entry in ClinVar:

NM_001134831.2(AHI1):c.1152-11T>G

Gene: AHI1 (Abelson helper integration site 1; minus strand). Cytogenetic location: 6q23.3.
Variant type: single nucleotide variant.
Coding change: c.1152-11T>G on transcript NM_001134831.2 (MANE Select); 11 bases into the intron before coding-DNA position 1152, T replaced by G.
Molecular consequence: intron variant.
Genome position (GRCh38, 1-based): chr6:135,455,937, A>C on the plus strand (T>G on the coding strand, the complement: AHI1 is on the minus strand). VCF-style: chr6-135455937-A-C. GRCh37 (hg19) VCF-style: chr6-135777075-A-C.
Other names: c.1152-11T>G (NM_001134830.2, NM_001350503.2, NM_017651.5 and 2 more transcripts).
Identifiers: ClinVar variation 235332 (VCV000235332.21), dbSNP rs113317693, ClinGen allele CA4012648.

ClinVar aggregate classification (germline): Benign/Likely benign. Review status: criteria provided, multiple submitters, no conflicts (2 of 4 stars). 6 submissions from 6 submitters: Benign (4); Likely benign (2). Last evaluated 2026-02-04.

Conditions:
Joubert syndrome 3 (JBTS3). Also called: AHI1-related Ciliopathy. Identifiers: Orphanet 220493, MedGen C1837713, MONDO:0012078, OMIM 608629.
Joubert syndrome. Also called: Familial aplasia of the vermis; JOUBERT-BOLTSHAUSER SYNDROME. Identifiers: Orphanet 475, MedGen C5979921, MONDO:0018772.

Allele frequency attached by ClinVar (database versions not stated): gnomAD exomes 0.00125 and 0.00416; ExAC 0.00760; ESP Exome Variant Server 0.01165; gnomAD 0.01223 and 0.01324; 1000 Genomes Project 0.01298; 1000 Genomes Project 30x 0.01359; TOPMed 0.01432.
gnomAD v4.1: 3,479 of 1,393,940 alleles (0.25%); highest among the groups gnomAD compares: African/African-American, 4.5%; 85 homozygotes.

Submissions (7):

Labcorp Genetics (formerly Invitae), Labcorp
Classification: Benign for Joubert syndrome. Last evaluated: 2026-02-04. Review status: criteria provided, single submitter. Criteria: Invitae Variant Classification Sherloc (09022015). Collection method: clinical testing. Allele origin: germline.

Fulgent Genetics
Classification: Likely benign for Joubert syndrome 3. Last evaluated: 2021-08-16. Review status: criteria provided, single submitter. Criteria: ACMG Guidelines, 2015. Collection method: clinical testing. Allele origin: unknown.

Illumina Laboratory Services, Illumina
Classification: Benign for Joubert syndrome 3. Last evaluated: 2018-01-13. Review status: criteria provided, single submitter. Criteria: ICSL Variant Classification Criteria 13 December 2019. Collection method: clinical testing. Allele origin: germline.
Comment: This variant was observed in the ICSL laboratory as part of a predisposition screen in an ostensibly healthy population. It had not been previously curated by ICSL or reported in the Human Gene Mutation Database (HGMD: prior to June 1st, 2018), and was therefore a candidate for classification through an automated scoring system. Utilizing variant allele frequency, disease prevalence and penetrance estimates, and inheritance mode, an automated score was calculated to assess if this variant is too frequent to cause the disease. Based on the score and internal cut-off values, a variant classified as benign is not then subjected to further curation. The score for this variant resulted in a classification of benign for this disease.

Center for Pediatric Genomic Medicine, Children's Mercy Hospital and Clinics
Classification: Likely benign. Last evaluated: 2016-02-10. Review status: criteria provided, single submitter. Criteria: ACMG Guidelines, 2015. Collection method: clinical testing. Allele origin: germline.
ClinVar note: Converted during submission from Likely Benign to Likely benign.

GeneDx
Classification: Benign. Last evaluated: 2015-03-03. Review status: criteria provided, single submitter. Criteria: GeneDx Variant Classification Process June 2021. Collection method: clinical testing. Allele origin: germline. Affected: yes.

PreventionGenetics, part of Exact Sciences
Classification: Benign. Review status: criteria provided, single submitter. Criteria: ACMG Guidelines, 2015. Collection method: clinical testing. Allele origin: germline.

Dr. Peter K. Rogan Lab, Western University
No classification provided (evidence only). Condition: Acute myeloid leukemia. Review status: no classification provided. Collection method: in vitro. Allele origin: not applicable. Functional consequence: retained intron. Not counted in ClinVar's aggregate classification.